The following is an entry in ClinVar:

ClinVar aggregate classification (germline): Uncertain significance (1 of 4 stars; one submission).

Conditions:
FRONTOTEMPORAL LOBAR DEGENERATION WITH TDP43 INCLUSIONS, TARDBP-RELATED. Also called: Frontotemporal lobar degeneration, TARDBP-related. Identifiers: MedGen C3150169, OMIM 612069.
Amyotrophic lateral sclerosis type 10 (ALS10). Also called: AMYOTROPHIC LATERAL SCLEROSIS 10 WITHOUT FRONTOTEMPORAL DEMENTIA AND WITH TDP43 INCLUSIONS; AMYOTROPHIC LATERAL SCLEROSIS 10 WITH OR WITHOUT FRONTOTEMPORAL DEMENTIA AND WITH TDP43 INCLUSIONS; AMYOTROPHIC LATERAL SCLEROSIS 10 WITH OR WITHOUT FRONTOTEMPORAL DEMENTIA; TARDBP-Related Amyotrophic Lateral Sclerosis-Frontotemporal Dementia; Amyotrophic lateral sclerosis 10, with or without FTD. Identifiers: Orphanet 275872, Orphanet 803, MedGen C2677565, MONDO:0012790, OMIM 612069.

gnomAD v4.1: 4 of 1,614,146 alleles (0.00025%); highest among the groups gnomAD compares: Non-Finnish European, 0.000085%; no homozygotes.

Submission:

Labcorp Genetics (formerly Invitae), Labcorp
Classification: Uncertain significance for Amyotrophic lateral sclerosis type 10; FRONTOTEMPORAL LOBAR DEGENERATION WITH TDP43 INCLUSIONS, TARDBP-RELATED. Last evaluated: 2024-05-05. Review status: criteria provided, single submitter. Criteria: Invitae Variant Classification Sherloc (09022015). Collection method: clinical testing. Allele origin: germline.
Comment: This sequence change replaces lysine, which is basic and polar, with arginine, which is basic and polar, at codon 176 of the TARDBP protein (p.Lys176Arg). This variant is not present in population databases (gnomAD no frequency). This variant has not been reported in the literature in individuals affected with TARDBP-related conditions. Advanced modeling of protein sequence and biophysical properties (such as structural, functional, and spatial information, amino acid conservation, physicochemical variation, residue mobility, and thermodynamic stability) performed at Invitae indicates that this missense variant is not expected to disrupt TARDBP protein function with a negative predictive value of 80%. In summary, the available evidence is currently insufficient to determine the role of this variant in disease. Therefore, it has been classified as a Variant of Uncertain Significance.

NM_007375.4(TARDBP):c.527A>G (p.Lys176Arg)

Gene: TARDBP (TAR DNA binding protein; plus strand). Cytogenetic location: 1p36.22.
Variant type: single nucleotide variant.
Coding change: c.527A>G on transcript NM_007375.4 (MANE Select); coding-DNA position 527, A replaced by G.
Protein change: p.Lys176Arg; replaces lysine 176 with arginine.
Molecular consequence: missense variant.
Genome position (GRCh38, 1-based): chr1:11,018,857, A>G. VCF-style: chr1-11018857-A-G. GRCh37 (hg19) VCF-style: chr1-11078914-A-G.
Other names: short protein forms K176R.
Identifiers: ClinVar variation 3761772 (VCV003761772.2).
Genomic context (GRCh38, chr1:11,018,857, plus strand): 5'-AAACACAAGTGAAAGTAATGTCACAGCGACATATGATAGATGGACGATGGTGTGACTGCA[A>G]ACTTCCTAATTCTAAGGTACTTGCGTCTGTGCTTTGGGAATTTTTGCCAACAAACTTCCT-3'
Protein context (NP_031401.1, residues 166-186): HMIDGRWCDC[Lys176Arg]LPNSKQSQDE